The following is an entry in ClinVar:

ClinVar aggregate classification (germline): Likely benign (1 of 4 stars; one submission).

Allele frequency attached by ClinVar (database versions not stated): ExAC 0.00001.

Submission:

CeGaT Center for Human Genetics Tuebingen
Classification: Likely benign. Last evaluated: 2024-03-01. Review status: criteria provided, single submitter. Criteria: CeGaT Center For Human Genetics Tuebingen Variant Classification Criteria Version 2. Collection method: clinical testing. Allele origin: germline. Affected: yes. Observed: 1 variant allele.
Comment: FLG: BP4

NM_002016.2(FLG):c.5702G>T (p.Gly1901Val)

Genes: CCDST (cervical cancer associated DHX9 suppressive transcript; plus strand), FLG (filaggrin; minus strand). Cytogenetic location: 1q21.3.
Variant type: single nucleotide variant.
Coding change: c.5702G>T on transcript NM_002016.2 (MANE Select); coding-DNA position 5702, G replaced by T.
Protein change: p.Gly1901Val; replaces glycine 1901 with valine.
Molecular consequence: missense variant.
Genome position (GRCh38, 1-based): chr1:152,309,184, C>A on the plus strand (G>T on the coding strand, the complement: FLG is on the minus strand). VCF-style: chr1-152309184-C-A. GRCh37 (hg19) VCF-style: chr1-152281660-C-A.
Other names: short protein forms G1901V.
Identifiers: ClinVar variation 3067411 (VCV003067411.21), dbSNP rs759572372, ClinGen allele CA1105637.